The following is an entry in ClinVar:

NM_006210.3(PEG3):c.859C>G (p.Arg287Gly)

Genes: PEG3 (paternally expressed 3; minus strand), ZIM2 (zinc finger imprinted 2; minus strand). Cytogenetic location: 19q13.43.
Variant type: single nucleotide variant.
Coding change: c.859C>G on transcript NM_006210.3 (MANE Select); coding-DNA position 859, C replaced by G.
Protein change: p.Arg287Gly; replaces arginine 287 with glycine.
Molecular consequence: missense variant. On other transcripts: non-coding transcript variant (2), intron variant (14).
Genome position (GRCh38, 1-based): chr19:56,817,749, G>C on the plus strand (C>G on the coding strand, the complement: PEG3 is on the minus strand). VCF-style: chr19-56817749-G-C. GRCh37 (hg19) VCF-style: chr19-57329117-G-C.
Other names: NM_001146186.1:c.859C>G; c.487C>G, p.Arg163Gly (NM_001369773.1, NM_001369774.1, NM_001387356.1 and 16 more transcripts); c.859C>G, p.Arg287Gly (NM_001146184.2); c.481C>G, p.Arg161Gly (NM_001146185.2); c.865C>G, p.Arg289Gly (NM_001369717.1, NM_001369718.1); c.397+851C>G (NM_015363.5, NM_001387358.1, NM_001146326.2 and 5 more transcripts); c.398-170C>G (NM_001369737.1, NM_001369735.1, NM_001369736.1 and 2 more transcripts); c.776-170C>G (NM_001369719.1); short protein forms R161G, R163G, R289G, R287G.
Identifiers: ClinVar variation 790921 (VCV000790921.8), dbSNP rs144150136, ClinGen allele CA9693781.

ClinVar aggregate classification (germline): Likely benign. Review status: criteria provided, multiple submitters, no conflicts (2 of 4 stars). 3 submissions from 3 submitters: Likely benign (2). 1 of the submissions does not count toward it. Last evaluated 2019-12-31.

Conditions:
PEG3-related disorder. Also called: PEG3-related condition.

Allele frequency attached by ClinVar (database versions not stated): 1000 Genomes Project 30x 0.00047; 1000 Genomes Project 0.00060; gnomAD exomes 0.00196 and 0.00317; TOPMed 0.00197; ESP Exome Variant Server 0.00215; ExAC 0.00216; gnomAD 0.00246 and 0.00252.
gnomAD v4.1: 4,978 of 1,613,478 alleles (0.31%); highest among the groups gnomAD compares: Non-Finnish European, 0.37%; 11 homozygotes.

Submissions (3):

Labcorp Genetics (formerly Invitae), Labcorp
Classification: Likely benign. Last evaluated: 2019-12-31. Review status: criteria provided, single submitter. Criteria: Invitae Variant Classification Sherloc (09022015). Collection method: clinical testing. Allele origin: germline.

Breakthrough Genomics
Classification: Likely benign. Review status: criteria provided, single submitter. Criteria: ACMG Guidelines, 2015. Collection method: not provided. Allele origin: germline. Inheritance: Unknown mechanism. Affected: yes.

PreventionGenetics, part of Exact Sciences
Classification: Likely benign for PEG3-related condition. Last evaluated: 2020-11-10. Review status: no assertion criteria provided. Collection method: clinical testing. Allele origin: germline. Not counted in ClinVar's aggregate classification.
Comment: This variant is classified as likely benign based on ACMG/AMP sequence variant interpretation guidelines (Richards et al. 2015 PMID: 25741868, with internal and published modifications).